The following is an entry in ClinVar:

ClinVar aggregate classification (germline): Benign/Likely benign. Review status: criteria provided, multiple submitters, no conflicts (2 of 4 stars). 3 submissions from 3 submitters: Benign (1); Likely benign (2). Last evaluated 2024-09-19.

Conditions:
Hereditary cancer-predisposing syndrome. Also called: Hereditary neoplastic syndrome; Neoplastic Syndromes, Hereditary; Tumor predisposition; Hereditary Cancer Syndrome. Identifiers: Orphanet 140162, MedGen C0027672, MeSH D009386, MONDO:0015356.
Hereditary diffuse gastric adenocarcinoma (HDGC). Also called: DIFFUSE GASTRIC AND LOBULAR BREAST CANCER SYNDROME. Identifiers: Orphanet 26106, MedGen C1708349, MONDO:0007648, OMIM 137215.

Submissions (3):

Myriad Genetics, Inc.
Classification: Benign for Hereditary diffuse gastric adenocarcinoma. Last evaluated: 2024-09-19. Review status: criteria provided, single submitter. Criteria: Myriad Autosomal Dominant, Autosomal Recessive and X-Linked Classification Criteria (2023). Collection method: clinical testing. Allele origin: unknown.
Comment: This variant is considered benign. This variant is a silent/synonymous amino acid change and it is not expected to impact splicing.

Color Diagnostics, LLC DBA Color Health
Classification: Likely benign for Hereditary cancer-predisposing syndrome. Last evaluated: 2022-07-05. Review status: criteria provided, single submitter. Criteria: ACMG Guidelines, 2015. Collection method: clinical testing. Allele origin: germline.

Ambry Genetics
Classification: Likely benign for Hereditary cancer-predisposing syndrome. Last evaluated: 2016-08-12. Review status: criteria provided, single submitter. Criteria: Ambry Variant Classification Scheme 2023. Collection method: clinical testing. Allele origin: germline.

NM_004360.5(CDH1):c.1749G>A (p.Leu583=)

Gene: CDH1 (cadherin 1; plus strand). Cytogenetic location: 16q22.1.
Variant type: single nucleotide variant.
Coding change: c.1749G>A on transcript NM_004360.5 (MANE Select); coding-DNA position 1749, G replaced by A.
Protein change: p.Leu583=; no amino-acid change (leucine 583 retained).
Molecular consequence: synonymous variant. On other transcripts: 5 prime UTR variant (1).
Genome position (GRCh38, 1-based): chr16:68,822,038, G>A. VCF-style: chr16-68822038-G-A. GRCh37 (hg19) VCF-style: chr16-68855941-G-A.
Other names: c.1566G>A, p.Leu522= (NM_001317184.2); c.201G>A, p.Leu67= (NM_001317185.2); c.1749G>A (LRG_301t1); c.-217G>A (NM_001317186.2).
Identifiers: ClinVar variation 481695 (VCV000481695.8), dbSNP rs1555516827, ClinGen allele CA496392527.